The following is an entry in ClinVar:

NM_006445.4(PRPF8):c.5578C>G (p.Gln1860Glu)

Gene: PRPF8 (pre-mRNA processing factor 8; minus strand). Cytogenetic location: 17p13.3.
Variant type: single nucleotide variant.
Coding change: c.5578C>G on transcript NM_006445.4 (MANE Select); coding-DNA position 5578, C replaced by G.
Protein change: p.Gln1860Glu; replaces glutamine 1860 with glutamic acid.
Molecular consequence: missense variant.
Genome position (GRCh38, 1-based): chr17:1,656,689, G>C on the plus strand (C>G on the coding strand, the complement: PRPF8 is on the minus strand). VCF-style: chr17-1656689-G-C. GRCh37 (hg19) VCF-style: chr17-1559983-G-C.
Other names: short protein forms Q1860E.
Identifiers: ClinVar variation 2782362 (VCV002782362.3), dbSNP rs2543723859, ClinGen allele CA397570752.
Genomic context (GRCh38, chr17:1,656,689, plus strand): 5'-CCCCACCCCACCCTCTTACCTCCAGTGGGTCCAGCATGCCCTTCCTGGTGACAATGATCT[G>C]CTTGGGCTGCTCCTCCACAGGCAGAGATCGGATCAGGGCGGCCACCTCCTCAGCTGTCTT-3'
Protein context (NP_006436.3, residues 1850-1870): RSLPVEEQPK[Gln1860Glu]IIVTRKGMLD

ClinVar aggregate classification (germline): Uncertain significance (1 of 4 stars; one submission).

Allele frequency attached by ClinVar (database versions not stated): gnomAD exomes below 0.00001.
gnomAD v4.1: 2 of 1,614,072 alleles (0.00012%); highest among the groups gnomAD compares: Non-Finnish European, 0.00017%; no homozygotes.

Submission:

Labcorp Genetics (formerly Invitae), Labcorp
Classification: Uncertain significance. Last evaluated: 2023-12-04. Review status: criteria provided, single submitter. Criteria: Invitae Variant Classification Sherloc (09022015). Collection method: clinical testing. Allele origin: germline.
Comment: This sequence change replaces glutamine, which is neutral and polar, with glutamic acid, which is acidic and polar, at codon 1860 of the PRPF8 protein (p.Gln1860Glu). This variant is not present in population databases (gnomAD no frequency). This variant has not been reported in the literature in individuals affected with PRPF8-related conditions. Advanced modeling of protein sequence and biophysical properties (such as structural, functional, and spatial information, amino acid conservation, physicochemical variation, residue mobility, and thermodynamic stability) performed at Invitae indicates that this missense variant is expected to disrupt PRPF8 protein function with a positive predictive value of 80%. In summary, the available evidence is currently insufficient to determine the role of this variant in disease. Therefore, it has been classified as a Variant of Uncertain Significance.